The following is an entry in ClinVar:

NM_052947.4(ALPK2):c.4650C>A (p.His1550Gln)

Genes: ALPK2 (alpha kinase 2; minus strand), LOC126862764 (BRD4-independent group 4 enhancer GRCh37_chr18:56202574-56203773; plus strand). Cytogenetic location: 18q21.31.
Variant type: single nucleotide variant.
Coding change: c.4650C>A on transcript NM_052947.4 (MANE Select); coding-DNA position 4650, C replaced by A.
Protein change: p.His1550Gln; replaces histidine 1550 with glutamine.
Molecular consequence: missense variant.
Genome position (GRCh38, 1-based): chr18:58,535,537, G>T on the plus strand (C>A on the coding strand, the complement: ALPK2 is on the minus strand). VCF-style: chr18-58535537-G-T. GRCh37 (hg19) VCF-style: chr18-56202769-G-T.
Other names: short protein forms H1550Q.
Identifiers: ClinVar variation 1742181 (VCV001742181.2), dbSNP rs749553859, ClinGen allele CA8976667.
Genomic context (GRCh38, chr18:58,535,537, plus strand): 5'-ATTTTCAGGGACGTCATGAATTTGGCCTGTGGAGTTGTGCGTGTCAACCCCAAGAGAAGC[G>T]TGAGTCATTATTGGAAGACAACTAGAAAGAGGTGAAGTGGGGGAAATCAATTCTGCTTTG-3'
Protein context (NP_443179.3, residues 1540-1560): PLSSCLPIMT[His1550Gln]ASLGVDTHNS

ClinVar aggregate classification (germline): Uncertain significance (1 of 4 stars; one submission).

Allele frequency attached by ClinVar (database versions not stated): ExAC 0.00001.
gnomAD v4.1: 1 of 1,614,178 alleles (0.000062%); no homozygotes.

Submission:

Ambry Genetics
Classification: Uncertain significance. Last evaluated: 2022-02-15. Review status: criteria provided, single submitter. Criteria: Ambry Variant Classification Scheme 2023. Collection method: clinical testing. Allele origin: germline.
Comment: The p.H1550Q variant (also known as c.4650C>A), located in coding exon 4 of the ALPK2 gene, results from a C to A substitution at nucleotide position 4650. The histidine at codon 1550 is replaced by glutamine, an amino acid with highly similar properties. This amino acid position is conserved. In addition, this alteration is predicted to be tolerated by in silico analysis. Since supporting evidence is limited at this time, the clinical significance of this alteration remains unclear.